The following is an entry in ClinVar:

ClinVar aggregate classification (germline): Uncertain significance (1 of 4 stars; one submission).

Submission:

Labcorp Genetics (formerly Invitae), Labcorp
Classification: Uncertain significance. Last evaluated: 2023-05-31. Review status: criteria provided, single submitter. Criteria: Invitae Variant Classification Sherloc (09022015). Collection method: clinical testing. Allele origin: germline.
Comment: This sequence change replaces lysine, which is basic and polar, with glutamic acid, which is acidic and polar, at codon 676 of the MICAL1 protein (p.Lys676Glu). This variant is not present in population databases (gnomAD no frequency). This variant has not been reported in the literature in individuals affected with MICAL1-related conditions. An algorithm developed to predict the effect of missense changes on protein structure and function (PolyPhen-2) suggests that this variant is likely to be tolerated. In summary, the available evidence is currently insufficient to determine the role of this variant in disease. Therefore, it has been classified as a Variant of Uncertain Significance.

NM_022765.4(MICAL1):c.1969A>G (p.Lys657Glu)

Gene: MICAL1 (microtubule associated monooxygenase, calponin and LIM domain containing 1; minus strand). Cytogenetic location: 6q21.
Variant type: single nucleotide variant.
Coding change: c.1969A>G on transcript NM_022765.4 (MANE Select); coding-DNA position 1969, A replaced by G.
Protein change: p.Lys657Glu; replaces lysine 657 with glutamic acid.
Molecular consequence: missense variant.
Genome position (GRCh38, 1-based): chr6:109,447,698, T>C on the plus strand (A>G on the coding strand, the complement: MICAL1 is on the minus strand). VCF-style: chr6-109447698-T-C. GRCh37 (hg19) VCF-style: chr6-109768901-T-C.
Other names: c.1711A>G, p.Lys571Glu (NM_001159291.2); c.2026A>G, p.Lys676Glu (NM_001286613.2); short protein forms K657E, K676E, K571E.
Identifiers: ClinVar variation 2752733 (VCV002752733.3), dbSNP rs2482783045, ClinGen allele CA365226190.